The following is an entry in ClinVar:

NM_006662.3(SRCAP):c.1418A>G (p.Asn473Ser)

Gene: SRCAP (Snf2 related CREBBP activator protein; plus strand). Cytogenetic location: 16p11.2.
Variant type: single nucleotide variant.
Coding change: c.1418A>G on transcript NM_006662.3 (MANE Select); coding-DNA position 1418, A replaced by G.
Protein change: p.Asn473Ser; replaces asparagine 473 with serine.
Molecular consequence: missense variant.
Genome position (GRCh38, 1-based): chr16:30,711,670, A>G. VCF-style: chr16-30711670-A-G. GRCh37 (hg19) VCF-style: chr16-30722991-A-G.
Other names: short protein forms N473S.
Identifiers: ClinVar variation 3695204 (VCV003695204.2).

ClinVar aggregate classification (germline): Uncertain significance (1 of 4 stars; one submission).

Submission:

Labcorp Genetics (formerly Invitae), Labcorp
Classification: Uncertain significance. Last evaluated: 2024-11-02. Review status: criteria provided, single submitter. Criteria: Invitae Variant Classification Sherloc (09022015). Collection method: clinical testing. Allele origin: germline.
Comment: This sequence change replaces asparagine, which is neutral and polar, with serine, which is neutral and polar, at codon 473 of the SRCAP protein (p.Asn473Ser). This variant is not present in population databases (gnomAD no frequency). This variant has not been reported in the literature in individuals affected with SRCAP-related conditions. Invitae Evidence Modeling of protein sequence and biophysical properties (such as structural, functional, and spatial information, amino acid conservation, physicochemical variation, residue mobility, and thermodynamic stability) indicates that this missense variant is not expected to disrupt SRCAP protein function with a negative predictive value of 80%. In summary, the available evidence is currently insufficient to determine the role of this variant in disease. Therefore, it has been classified as a Variant of Uncertain Significance.